The following is an entry in ClinVar:

NM_000379.4(XDH):c.2654A>G (p.His885Arg)

Gene: XDH (xanthine dehydrogenase; minus strand). Cytogenetic location: 2p23.1.
Variant type: single nucleotide variant.
Coding change: c.2654A>G on transcript NM_000379.4 (MANE Select); coding-DNA position 2654, A replaced by G.
Protein change: p.His885Arg; replaces histidine 885 with arginine.
Molecular consequence: missense variant.
Genome position (GRCh38, 1-based): chr2:31,350,201, T>C on the plus strand (A>G on the coding strand, the complement: XDH is on the minus strand). VCF-style: chr2-31350201-T-C. GRCh37 (hg19) VCF-style: chr2-31573067-T-C.
Other names: short protein forms H885R.
Identifiers: ClinVar variation 2083442 (VCV002083442.2), dbSNP rs749555416, ClinGen allele CA1598715.

ClinVar aggregate classification (germline): Uncertain significance. Review status: criteria provided, multiple submitters, no conflicts (2 of 4 stars). 2 submissions from 2 submitters: Uncertain significance (2). Last evaluated 2022-12-01.

Conditions:
Xanthinuria type II. Also called: Xanthine dehydrogenase and aldehyde oxidase combined deficiency of; XDH and AOX dual deficiency. Identifiers: Orphanet 3467, Orphanet 93602, MedGen C1863688, MONDO:0011346, OMIM 603592.
Inborn genetic diseases. Identifiers: MedGen C0950123, MeSH D030342.

Allele frequency attached by ClinVar (database versions not stated): ExAC 0.00001.
gnomAD v4.1: 44 of 1,613,952 alleles (0.0027%); highest among the groups gnomAD compares: Non-Finnish European, 0.0037%; no homozygotes.

Submissions (2):

Ambry Genetics
Classification: Uncertain significance for Inborn genetic diseases. Last evaluated: 2022-12-01. Review status: criteria provided, single submitter. Criteria: Ambry Variant Classification Scheme 2023. Collection method: clinical testing. Allele origin: germline.

Labcorp Genetics (formerly Invitae), Labcorp
Classification: Uncertain significance for Xanthinuria type II. Last evaluated: 2022-10-03. Review status: criteria provided, single submitter. Criteria: Invitae Variant Classification Sherloc (09022015). Collection method: clinical testing. Allele origin: germline.
Comment: This sequence change replaces histidine, which is basic and polar, with arginine, which is basic and polar, at codon 885 of the XDH protein (p.His885Arg). This variant is present in population databases (rs749555416, gnomAD 0.0009%). This variant has not been reported in the literature in individuals affected with XDH-related conditions. Algorithms developed to predict the effect of missense changes on protein structure and function are either unavailable or do not agree on the potential impact of this missense change (SIFT: "Deleterious"; PolyPhen-2: "Benign"; Align-GVGD: "Class C25"). In summary, the available evidence is currently insufficient to determine the role of this variant in disease. Therefore, it has been classified as a Variant of Uncertain Significance.